The following is an entry in ClinVar:

ClinVar aggregate classification (germline): Uncertain significance (1 of 4 stars; one submission).

Submission:

Labcorp Genetics (formerly Invitae), Labcorp
Classification: Uncertain significance. Last evaluated: 2022-10-17. Review status: criteria provided, single submitter. Criteria: Invitae Variant Classification Sherloc (09022015). Collection method: clinical testing. Allele origin: germline.
Comment: In summary, the available evidence is currently insufficient to determine the role of this variant in disease. Therefore, it has been classified as a Variant of Uncertain Significance. Experimental studies and prediction algorithms are not available or were not evaluated, and the functional significance of this variant is currently unknown. This variant has not been reported in the literature in individuals affected with KIF2A-related conditions. This variant results in a copy number gain of the genomic region encompassing exon(s) 1-16 of the KIF2A gene. This region includes the initiator codon of the gene. This copy number gain extends beyond the assayed region for this gene and therefore may encompass additional genes. As the precise location of this event is unknown, it may be in tandem or it may be located elsewhere in the genome.

NC_000005.9:g.(?_61602300)_(61662328_?)dup

Gene: KIF2A (kinesin family member 2A; plus strand). Cytogenetic location: 5q12.1.
Variant type: Duplication.
Identifiers: ClinVar variation 1511299 (VCV001511299.5).